The following is an entry in ClinVar:

ClinVar aggregate classification (germline): Uncertain significance (1 of 4 stars; one submission).

Allele frequency attached by ClinVar (database versions not stated): TOPMed below 0.00001.

Submission:

Labcorp Genetics (formerly Invitae), Labcorp
Classification: Uncertain significance. Last evaluated: 2015-05-29. Review status: criteria provided, single submitter. Criteria: Invitae Variant Classification Sherloc (09022015). Collection method: clinical testing. Allele origin: germline.
Comment: This sequence change replaces leucine with methionine at codon 12 of the EPCAM protein (p.Leu12Met). The leucine residue is weakly conserved and there is a small physicochemical difference between leucine and methionine. In summary, this is a novel missense change with uncertain impact on protein function. It has been classified as a Variant of Uncertain Significance. Algorithms developed to predict the effect of missense changes on protein structure and function do not agree on the potential impact of this missense change (SIFT: "Tolerated"; PolyPhen-2: "Probably Damaging"; Align-GVGD: "Class C0"). This variant has not been published in the literature and is not present in population databases.

NM_002354.3(EPCAM):c.34C>A (p.Leu12Met)

Gene: EPCAM (epithelial cell adhesion molecule; plus strand). Cytogenetic location: 2p21.
Variant type: single nucleotide variant.
Coding change: c.34C>A on transcript NM_002354.3 (MANE Select); coding-DNA position 34, C replaced by A.
Protein change: p.Leu12Met; replaces leucine 12 with methionine.
Molecular consequence: missense variant.
Genome position (GRCh38, 1-based): chr2:47,369,539, C>A. VCF-style: chr2-47369539-C-A. GRCh37 (hg19) VCF-style: chr2-47596678-C-A.
Other names: short protein forms L12M.
Identifiers: ClinVar variation 216555 (VCV000216555.7), dbSNP rs746990000, ClinGen allele CA335959.